The following is an entry in ClinVar:

ClinVar aggregate classification (germline): Uncertain significance (1 of 4 stars; one submission).

Submission:

Labcorp Genetics (formerly Invitae), Labcorp
Classification: Uncertain significance. Last evaluated: 2022-04-15. Review status: criteria provided, single submitter. Criteria: Invitae Variant Classification Sherloc (09022015). Collection method: clinical testing. Allele origin: germline.
Comment: In summary, the available evidence is currently insufficient to determine the role of this variant in disease. Therefore, it has been classified as a Variant of Uncertain Significance. Algorithms developed to predict the effect of missense changes on protein structure and function (SIFT, PolyPhen-2, Align-GVGD) all suggest that this variant is likely to be disruptive. This variant has not been reported in the literature in individuals affected with TNFRSF11A-related conditions. This variant is not present in population databases (gnomAD no frequency). This sequence change replaces glycine, which is neutral and non-polar, with valine, which is neutral and non-polar, at codon 117 of the TNFRSF11A protein (p.Gly117Val).

NM_003839.4(TNFRSF11A):c.350G>T (p.Gly117Val)

Gene: TNFRSF11A (TNF receptor superfamily member 11a; plus strand). Cytogenetic location: 18q21.33.
Variant type: single nucleotide variant.
Coding change: c.350G>T on transcript NM_003839.4 (MANE Select); coding-DNA position 350, G replaced by T.
Protein change: p.Gly117Val; replaces glycine 117 with valine.
Molecular consequence: missense variant.
Genome position (GRCh38, 1-based): chr18:62,354,457, G>T. VCF-style: chr18-62354457-G-T. GRCh37 (hg19) VCF-style: chr18-60021690-G-T.
Other names: c.350G>T, p.Gly117Val (NM_001270949.2, NM_001270950.2, NM_001270951.2 and 1 more transcripts); short protein forms G117V.
Identifiers: ClinVar variation 2126364 (VCV002126364.4), dbSNP rs1909093282, ClinGen allele CA402612207.